The following is an entry in ClinVar:

ClinVar aggregate classification (germline): Likely benign (1 of 4 stars; one submission).

Allele frequency attached by ClinVar (database versions not stated): ESP Exome Variant Server 0.00008; ExAC 0.00032; gnomAD 0.00052; gnomAD exomes 0.00060; TOPMed 0.00110.
gnomAD v4.1: 1,017 of 1,609,916 alleles (0.063%); highest among the groups gnomAD compares: Non-Finnish European, 0.074%; 2 homozygotes.

Submission:

CeGaT Center for Human Genetics Tuebingen
Classification: Likely benign. Last evaluated: 2023-05-01. Review status: criteria provided, single submitter. Criteria: CeGaT Center For Human Genetics Tuebingen Variant Classification Criteria Version 2. Collection method: clinical testing. Allele origin: germline. Affected: yes. Observed: 1 variant allele.
Comment: CUX1: BP4

NM_181552.4(CUX1):c.429A>G (p.Lys143=)

Gene: CUX1 (cut like homeobox 1; plus strand). Cytogenetic location: 7q22.1.
Variant type: single nucleotide variant.
Coding change: c.429A>G on transcript NM_181552.4 (MANE Select); coding-DNA position 429, A replaced by G.
Protein change: p.Lys143=; no amino-acid change (lysine 143 retained).
Molecular consequence: synonymous variant.
Genome position (GRCh38, 1-based): chr7:102,104,358, A>G. VCF-style: chr7-102104358-A-G. GRCh37 (hg19) VCF-style: chr7-101747638-A-G.
Other names: c.462A>G, p.Lys154= (NM_001202543.2, NM_001913.5, NM_181500.4); c.414A>G, p.Lys138= (NM_001202544.3); c.324A>G, p.Lys108= (NM_001202545.3); c.351A>G, p.Lys117= (NM_001202546.3).
Identifiers: ClinVar variation 2657859 (VCV002657859.24), dbSNP rs201650660, ClinGen allele CA4410479.